The following is an entry in ClinVar:

NM_000051.4(ATM):c.8152-1G>T

Genes: ATM (ATM serine/threonine kinase; plus strand), C11orf65 (chromosome 11 open reading frame 65; minus strand). Cytogenetic location: 11q22.3.
Variant type: single nucleotide variant.
Coding change: c.8152-1G>T on transcript NM_000051.4 (MANE Select); the canonical splice acceptor site of the intron before coding-DNA position 8152, G replaced by T.
Molecular consequence: splice acceptor variant. On other transcripts: intron variant (2).
Genome position (GRCh38, 1-based): chr11:108,335,844, G>T. VCF-style: chr11-108335844-G-T. GRCh37 (hg19) VCF-style: chr11-108206571-G-T.
Other names: c.8152-1G>T (NM_001351834.2); c.641-26773C>A (NM_001330368.2); c.695-552C>A (NM_001351110.2).
Identifiers: ClinVar variation 1452214 (VCV001452214.12), dbSNP rs1398616877, ClinGen allele CA382562322.
Genomic context (GRCh38, chr11:108,335,844, plus strand): 5'-ACTCTGTGTTTTTATAATAAAATAAACTGTACTTGTTTATTCATGCTTAATTATTCTGAA[G>T]GGCCGTGATGACCTGAGACAAGATGCTGTCATGCAACAGGTCTTCCAGATGTGTAATACA-3'

ClinVar aggregate classification (germline): Conflicting classifications of pathogenicity. Review status: criteria provided, conflicting classifications (1 of 4 stars). 4 submissions from 4 submitters: Pathogenic (2); Likely pathogenic (1); Uncertain significance (1). Last evaluated 2024-11-01.

Conditions:
Familial cancer of breast. Also called: BREAST CANCER, FAMILIAL; Hereditary breast cancer; hereditary breast carcinoma. Identifiers: Orphanet 227535, MedGen C0346153, MONDO:0016419, OMIM 114480. Disease mechanism: loss of function.
Ataxia-telangiectasia syndrome (AT). Also called: Ataxia-telangiectasia; LOUIS-BAR SYNDROME; Ataxia-telangiectasia, complementation group D; AT, COMPLEMENTATION GROUP C; ATAXIA-TELANGIECTASIA, COMPLEMENTATION GROUP A; ATAXIA-TELANGIECTASIA, FRESNO VARIANT. Identifiers: Orphanet 100, MedGen C0004135, MONDO:0008840, OMIM 208900.
Hereditary cancer-predisposing syndrome. Also called: Tumor predisposition; Neoplastic Syndromes, Hereditary; Hereditary Cancer Syndrome; Hereditary neoplastic syndrome. Identifiers: Orphanet 140162, MedGen C0027672, MeSH D009386, MONDO:0015356.

Submissions (4):

Ambry Genetics
Classification: Uncertain significance for Hereditary cancer-predisposing syndrome. Last evaluated: 2024-11-01. Review status: criteria provided, single submitter. Criteria: Ambry Variant Classification Scheme 2023. Collection method: clinical testing. Allele origin: germline.
Comment: The c.8152-1G>T intronic variant results from a G to T substitution one nucleotide upstream from coding exon 55 of the ATM gene. Alterations that disrupt the canonical splice site are expected to result in aberrant splicing. In silico splice site analysis predicts that this alteration will weaken the native splice acceptor site and may result in the creation or strengthening of a novel splice acceptor site; however, direct evidence is insufficient at this time (Ambry internal data). The resulting transcript is predicted to be in-frame and is not expected to trigger nonsense-mediated mRNAdecay. The exact functional effect of this alteration is unknown. This nucleotide position is highly conserved in available vertebrate species. Based on the available evidence, the clinical significance of this variant remains unclear.

Labcorp Genetics (formerly Invitae), Labcorp
Classification: Pathogenic for Ataxia-telangiectasia syndrome. Last evaluated: 2024-09-18. Review status: criteria provided, single submitter. Criteria: Invitae Variant Classification Sherloc (09022015). Collection method: clinical testing. Allele origin: germline.
Comment: This sequence change affects an acceptor splice site in intron 55 of the ATM gene. It is expected to disrupt RNA splicing. Variants that disrupt the donor or acceptor splice site typically lead to a loss of protein function (PMID: 16199547), and loss-of-function variants in ATM are known to be pathogenic (PMID: 23807571, 25614872). This variant is not present in population databases (gnomAD no frequency). Disruption of this splice site has been observed in individual(s) with with clinical features of ATM-related conditions (PMID: 28975465, 31130284). ClinVar contains an entry for this variant (Variation ID: 1452214). Studies have shown that disruption of this splice site is associated with altered splicing resulting in multiple RNA products (internal data). This variant disrupts a region of the ATM protein in which other variant(s) (p.Gln2730Pro) have been determined to be pathogenic (PMID: 16189143, 19431188, 22869595). This suggests that this is a clinically significant region of the protein, and that variants that disrupt it are likely to be disease-causing. For these reasons, this variant has been classified as Pathogenic.

Myriad Genetics, Inc.
Classification: Likely pathogenic for Familial cancer of breast. Last evaluated: 2024-02-01. Review status: criteria provided, single submitter. Criteria: Myriad Autosomal Dominant, Autosomal Recessive and X-Linked Classification Criteria (2023). Collection method: clinical testing. Allele origin: unknown.
Comment: This variant is considered likely pathogenic. This variant occurs within a consensus splice junction and is predicted to result in abnormal mRNA splicing of either an out-of-frame exon or an in-frame exon necessary for protein stability and/or normal function.

Mendelics
Classification: Pathogenic for Familial cancer of breast. Last evaluated: 2022-05-04. Review status: criteria provided, single submitter. Criteria: Mendelics Assertion Criteria 2019. Collection method: clinical testing. Allele origin: germline.

Literature cited by the submitters: PubMed 16199547 (cited by Labcorp Genetics (formerly Invitae), Labcorp); PubMed 23807571 (cited by Labcorp Genetics (formerly Invitae), Labcorp); PubMed 25614872 (cited by Labcorp Genetics (formerly Invitae), Labcorp); PubMed 28975465 (cited by Labcorp Genetics (formerly Invitae), Labcorp); PubMed 31130284 (cited by Labcorp Genetics (formerly Invitae), Labcorp); PubMed 16189143 (cited by Labcorp Genetics (formerly Invitae), Labcorp); PubMed 19431188 (cited by Labcorp Genetics (formerly Invitae), Labcorp); PubMed 22869595 (cited by Labcorp Genetics (formerly Invitae), Labcorp).